The following is an entry in ClinVar:

NM_182493.3(MYLK3):c.1178C>T (p.Thr393Ile)

Gene: MYLK3 (myosin light chain kinase 3; minus strand). Cytogenetic location: 16q11.2.
Variant type: single nucleotide variant.
Coding change: c.1178C>T on transcript NM_182493.3 (MANE Select); coding-DNA position 1178, C replaced by T.
Protein change: p.Thr393Ile; replaces threonine 393 with isoleucine.
Molecular consequence: missense variant.
Genome position (GRCh38, 1-based): chr16:46,732,492, G>A on the plus strand (C>T on the coding strand, the complement: MYLK3 is on the minus strand). VCF-style: chr16-46732492-G-A. GRCh37 (hg19) VCF-style: chr16-46766404-G-A.
Other names: c.155C>T, p.Thr52Ile (NM_001308301.1); short protein forms T52I, T393I.
Identifiers: ClinVar variation 2751931 (VCV002751931.3), dbSNP rs1439875827, ClinGen allele CA395792686.

ClinVar aggregate classification (germline): Uncertain significance (1 of 4 stars; one submission).

gnomAD v4.1: 2 of 1,608,530 alleles (0.00012%); highest among the groups gnomAD compares: African/African-American, 0.0013%; no homozygotes.

Submission:

Labcorp Genetics (formerly Invitae), Labcorp
Classification: Uncertain significance. Last evaluated: 2023-08-11. Review status: criteria provided, single submitter. Criteria: Invitae Variant Classification Sherloc (09022015). Collection method: clinical testing. Allele origin: germline.
Comment: In summary, the available evidence is currently insufficient to determine the role of this variant in disease. Therefore, it has been classified as a Variant of Uncertain Significance. Algorithms developed to predict the effect of missense changes on protein structure and function output the following: SIFT: "Not Available"; PolyPhen-2: "Benign"; Align-GVGD: "Not Available". The isoleucine amino acid residue is found in multiple mammalian species, which suggests that this missense change does not adversely affect protein function. This variant has not been reported in the literature in individuals affected with MYLK3-related conditions. This variant is not present in population databases (gnomAD no frequency). This sequence change replaces threonine, which is neutral and polar, with isoleucine, which is neutral and non-polar, at codon 393 of the MYLK3 protein (p.Thr393Ile).